The following is an entry in ClinVar:

NM_000051.4(ATM):c.575A>G (p.His192Arg)

Gene: ATM (ATM serine/threonine kinase; plus strand). Cytogenetic location: 11q22.3.
Variant type: single nucleotide variant.
Coding change: c.575A>G on transcript NM_000051.4 (MANE Select); coding-DNA position 575, A replaced by G.
Protein change: p.His192Arg; replaces histidine 192 with arginine.
Molecular consequence: missense variant.
Genome position (GRCh38, 1-based): chr11:108,244,031, A>G. VCF-style: chr11-108244031-A-G. GRCh37 (hg19) VCF-style: chr11-108114758-A-G.
Other names: c.575A>G, p.His192Arg (NM_001351834.2); short protein forms H192R.
Identifiers: ClinVar variation 481251 (VCV000481251.8), dbSNP rs1555066411, ClinGen allele CA382527872.

ClinVar aggregate classification (germline): Uncertain significance. Review status: criteria provided, multiple submitters, no conflicts (2 of 4 stars). 2 submissions from 2 submitters: Uncertain significance (2). Last evaluated 2022-11-01.

Conditions:
Hereditary cancer-predisposing syndrome. Also called: Hereditary neoplastic syndrome; Neoplastic Syndromes, Hereditary; Tumor predisposition; Hereditary Cancer Syndrome. Identifiers: Orphanet 140162, MedGen C0027672, MeSH D009386, MONDO:0015356.
Ataxia-telangiectasia syndrome (AT). Also called: LOUIS-BAR SYNDROME; Cerebello-oculocutaneous telangiectasia; Immunodeficiency with ataxia telangiectasia; AT, COMPLEMENTATION GROUP C; Ataxia-telangiectasia, complementation group D; ATAXIA-TELANGIECTASIA, COMPLEMENTATION GROUP A. Identifiers: Orphanet 100, MedGen C0004135, MONDO:0008840, OMIM 208900.

Submissions (2):

Labcorp Genetics (formerly Invitae), Labcorp
Classification: Uncertain significance for Ataxia-telangiectasia syndrome. Last evaluated: 2022-11-01. Review status: criteria provided, single submitter. Criteria: Invitae Variant Classification Sherloc (09022015). Collection method: clinical testing. Allele origin: germline.
Comment: This variant has not been reported in the literature in individuals affected with ATM-related conditions. In summary, the available evidence is currently insufficient to determine the role of this variant in disease. Therefore, it has been classified as a Variant of Uncertain Significance. Algorithms developed to predict the effect of missense changes on protein structure and function (SIFT, PolyPhen-2, Align-GVGD) all suggest that this variant is likely to be tolerated. ClinVar contains an entry for this variant (Variation ID: 481251). This variant is not present in population databases (gnomAD no frequency). This sequence change replaces histidine, which is basic and polar, with arginine, which is basic and polar, at codon 192 of the ATM protein (p.His192Arg).

Ambry Genetics
Classification: Uncertain significance for Hereditary cancer-predisposing syndrome. Last evaluated: 2016-06-01. Review status: criteria provided, single submitter. Criteria: Ambry Variant Classification Scheme 2023. Collection method: clinical testing. Allele origin: germline.
Comment: The p.H192R variant (also known as c.575A>G), located in coding exon 5 of the ATM gene, results from an A to G substitution at nucleotide position 575. The histidine at codon 192 is replaced by arginine, an amino acid with highly similar properties. This variant was not reported in population based cohorts in the following databases: Database of Single Nucleotide Polymorphisms (dbSNP), NHLBI Exome Sequencing Project (ESP), and 1000 Genomes Project. In the ESP, this variant was not observed in 6493 samples (12986 alleles) with coverage at this position. To date, this alteration has been detected with an allele frequency of approximately 0.001% (greater than 180000 alleles tested) in our clinical cohort. This amino acid position is not well conserved in available vertebrate species. In addition, this alteration is predicted to be tolerated by in silico analysis. Since supporting evidence is limited at this time, the clinical significance of this alteration remains unclear.